The following is an entry in ClinVar:

ClinVar aggregate classification (germline): Uncertain significance. Review status: criteria provided, multiple submitters, no conflicts (2 of 4 stars). 2 submissions from 2 submitters: Uncertain significance (2). Last evaluated 2022-01-03.

Conditions:
Hereditary cancer-predisposing syndrome. Also called: Hereditary neoplastic syndrome; Neoplastic Syndromes, Hereditary; Tumor predisposition; Hereditary Cancer Syndrome. Identifiers: Orphanet 140162, MedGen C0027672, MeSH D009386, MONDO:0015356.
Fanconi anemia complementation group J. Also called: BRIP1-Related Fanconi Anemia. Identifiers: Orphanet 84, MedGen C1836860, MONDO:0012187, OMIM 609054.
Familial cancer of breast. Also called: BREAST CANCER, FAMILIAL; Hereditary breast cancer; hereditary breast carcinoma. Identifiers: Orphanet 227535, MedGen C0346153, MONDO:0016419, OMIM 114480. Disease mechanism: loss of function.

Submissions (2):

Labcorp Genetics (formerly Invitae), Labcorp
Classification: Uncertain significance for Familial cancer of breast; Fanconi anemia complementation group J. Last evaluated: 2022-01-03. Review status: criteria provided, single submitter. Criteria: Invitae Variant Classification Sherloc (09022015). Collection method: clinical testing. Allele origin: germline.
Comment: This sequence change replaces leucine, which is neutral and non-polar, with histidine, which is basic and polar, at codon 498 of the BRIP1 protein (p.Leu498His). In summary, the available evidence is currently insufficient to determine the role of this variant in disease. Therefore, it has been classified as a Variant of Uncertain Significance. Algorithms developed to predict the effect of missense changes on protein structure and function are either unavailable or do not agree on the potential impact of this missense change (SIFT: "Deleterious"; PolyPhen-2: "Probably Damaging"; Align-GVGD: "Class C0"). ClinVar contains an entry for this variant (Variation ID: 481664). This variant has not been reported in the literature in individuals affected with BRIP1-related conditions. This variant is not present in population databases (gnomAD no frequency).

Ambry Genetics
Classification: Uncertain significance for Hereditary cancer-predisposing syndrome. Last evaluated: 2017-03-15. Review status: criteria provided, single submitter. Criteria: Ambry Variant Classification Scheme 2023. Collection method: clinical testing. Allele origin: germline.
Comment: The p.L498H variant (also known as c.1493T>A), located in coding exon 10 of the BRIP1 gene, results from a T to A substitution at nucleotide position 1493. The leucine at codon 498 is replaced by histidine, an amino acid with similar properties. This amino acid position is highly conserved in available vertebrate species. In addition, the in silico prediction for this alteration is inconclusive. Since supporting evidence is limited at this time, the clinical significance of this alteration remains unclear.

NM_032043.3(BRIP1):c.1493T>A (p.Leu498His)

Gene: BRIP1 (BRCA1 interacting DNA helicase 1; minus strand). Cytogenetic location: 17q23.2.
Variant type: single nucleotide variant.
Coding change: c.1493T>A on transcript NM_032043.3 (MANE Select); coding-DNA position 1493, T replaced by A.
Protein change: p.Leu498His; replaces leucine 498 with histidine.
Molecular consequence: missense variant.
Genome position (GRCh38, 1-based): chr17:61,784,405, A>T on the plus strand (T>A on the coding strand, the complement: BRIP1 is on the minus strand). VCF-style: chr17-61784405-A-T. GRCh37 (hg19) VCF-style: chr17-59861766-A-T.
Other names: short protein forms L498H.
Identifiers: ClinVar variation 481664 (VCV000481664.16), dbSNP rs1555603600, ClinGen allele CA400481444.